The following is an entry in ClinVar:

ClinVar aggregate classification (germline): Pathogenic (1 of 4 stars; one submission).

Submission:

Quest Diagnostics Nichols Institute San Juan Capistrano
Classification: Pathogenic. Last evaluated: 2024-02-19. Review status: criteria provided, single submitter. Criteria: ACMG/ClinGen CNV Guidelines, 2019. Collection method: clinical testing. Allele origin: unknown.
Comment: This gain involves at least 53 protein-coding genes and partially overlaps the 16p13.3 duplication syndromic region (OMIM 613458; Chen 2012, Demeer 2013, Firth 2009, Lee 2016, Li 2013, Mattina 2012, Socha 2023, Thienpont 2010). There are no similar copy number gains of this region in the general populations of the Database of Genomic Variants. Thus, based on gene count and current medical literature, this copy number variant (CNV) is classified as pathogenic. References: Chen et al. Am J Med Genet A. 2012 Mar;158A(3):685-8. PMID: 22307725; Demeer et al., Eur J Med Genet. 2013 Jan;56(1):26-31. PMID: 23063576; Firth et al., Am J Hum Genet. 2009 Apr;84(4):524-33. PMID: 19344873; Lee et al., Eur J Med Genet. 2016 Apr;59(4):210-4. PMID: 26873618; Li et al., Gene. 2013 Dec 1;531(2):502-5. PMID: 24035902; Mattina et al., Eur J Med Genet. 2012 Dec;55(12):747-52. PMID: 23032921; Socha et al., J Appl Genet. 2023 Feb;64(1):125-134. PMID: 36586055; Thienpont et al., J Med Genet. 2010 Mar;47(3):155-61. PMID: 19833603

GRCh37/hg19 16p13.3(chr16:2651354-4460114)x3

Genes: IL32 (interleukin 32; plus strand), PRSS22 (serine protease 22; minus strand), VASN (vasorin; plus strand), ZNF75A (zinc finger protein 75A; plus strand), KCTD5 (potassium channel tetramerization domain containing 5; plus strand) and 48 more. Cytogenetic location: 16p13.3.
Variant type: copy number gain.
Change: copy number 3 (three copies instead of two) of chr16:2,651,354-4,460,114 (1.81 Mb, GRCh37 coordinates, 1-based), cytogenetic band 16p13.3.
Identifiers: ClinVar variation 564258 (VCV000564258.1).